The following is an entry in ClinVar:

ClinVar aggregate classification (germline): Likely pathogenic (1 of 4 stars; one submission).

Submission:

GeneDx
Classification: Likely pathogenic. Last evaluated: 2017-02-23. Review status: criteria provided, single submitter. Criteria: GeneDx Variant Classification (06012015). Collection method: clinical testing. Allele origin: germline. Affected: yes.
Comment: The L305R variant in the GDF3 gene has not been reported previously as a pathogenic variant, nor as a benign variant, to our knowledge. The L305R variant is not observed in large population cohorts (Lek et al., 2016; 1000 Genomes Consortium et al., 2015; Exome Variant Server). The L305R variant is a non-conservative amino acid substitution, which is likely to impact secondary protein structure as these residues differ in polarity, charge, size and/or other properties. This substitution occurs at a position that is conserved across species. In silico analysis predicts this variant is probably damaging to the protein structure/function. We interpret L305R as a strong candidate for a pathogenic variant; however, the possibility it is may be a rare benign variant cannot be excluded.

NM_020634.3(GDF3):c.914T>G (p.Leu305Arg)

Gene: GDF3 (growth differentiation factor 3; minus strand). Cytogenetic location: 12p13.31.
Variant type: single nucleotide variant.
Coding change: c.914T>G on transcript NM_020634.3 (MANE Select); coding-DNA position 914, T replaced by G.
Protein change: p.Leu305Arg; replaces leucine 305 with arginine.
Molecular consequence: missense variant.
Genome position (GRCh38, 1-based): chr12:7,690,059, A>C on the plus strand (T>G on the coding strand, the complement: GDF3 is on the minus strand). VCF-style: chr12-7690059-A-C. GRCh37 (hg19) VCF-style: chr12-7842655-A-C.
Other names: short protein forms L305R.
Identifiers: ClinVar variation 423808 (VCV000423808.2), dbSNP rs387906945, ClinGen allele CA16619590.